The following is an entry in ClinVar:

NM_000059.4(BRCA2):c.9508_9510del (p.Asp3170del)

Gene: BRCA2 (BRCA2 DNA repair associated; plus strand). Cytogenetic location: 13q13.1.
Variant type: Deletion.
Coding change: c.9508_9510del on transcript NM_000059.4 (MANE Select); coding-DNA positions 9508 to 9510, 3 bases deleted (GAC; older notation c.9508_9510delGAC).
Protein change: p.Asp3170del; deletes aspartic acid 3170.
Molecular consequence: inframe deletion. On other transcripts: non-coding transcript variant (1).
Genome position (GRCh38, 1-based): chr13:32,396,904-32,396,906, GAC deleted. VCF-style (leftmost placement, unchanged base first): chr13-32396903-TGAC-T. GRCh37 (hg19) VCF-style: chr13-32971040-TGAC-T.
Other names: c.9412_9414del, p.Asp3138del (NM_001406719.1); c.9457_9459del, p.Asp3153del (NM_001406720.1); c.4576_4578del, p.Asp1526del (NM_001406721.1); c.3091_3093del, p.Asp1031del (NM_001406722.1); short protein forms D1031del, D1526del, D3138del, D3153del, D3170del.
Identifiers: ClinVar variation 3076083 (VCV003076083.1), dbSNP rs2548563627, ClinGen allele CA2825002167.

ClinVar aggregate classification (germline): Uncertain significance (1 of 4 stars; one submission).

Conditions:
Hereditary cancer-predisposing syndrome. Also called: Neoplastic Syndromes, Hereditary; Tumor predisposition; Hereditary neoplastic syndrome; Hereditary Cancer Syndrome. Identifiers: Orphanet 140162, MedGen C0027672, MeSH D009386, MONDO:0015356.

Submission:

Ambry Genetics
Classification: Uncertain significance for Hereditary cancer-predisposing syndrome. Last evaluated: 2018-02-13. Review status: criteria provided, single submitter. Criteria: Ambry Variant Classification Scheme 2023. Collection method: clinical testing. Allele origin: germline.
Comment: The c.9508_9510delGAC () alteration is located in exon 26 (coding exon 25) of the BRCA2 gene. This alteration consists of an in-frame deletion of 3 nucleotides between nucleotide positions c.9508 and c.9510, resulting in the deletion of <NA> residues. Based on insufficient or conflicting evidence, the clinical significance of this alteration remains unclear.